The following is an entry in ClinVar:

NM_006648.4(WNK2):c.3991C>T (p.Pro1331Ser)

Gene: WNK2 (WNK lysine deficient protein kinase 2; plus strand). Cytogenetic location: 9q22.31.
Variant type: single nucleotide variant.
Coding change: c.3991C>T on transcript NM_006648.4 (MANE Select); coding-DNA position 3991, C replaced by T.
Protein change: p.Pro1331Ser; replaces proline 1331 with serine.
Molecular consequence: missense variant.
Genome position (GRCh38, 1-based): chr9:93,268,704, C>T. VCF-style: chr9-93268704-C-T. GRCh37 (hg19) VCF-style: chr9-96030986-C-T.
Other names: c.3991C>T, p.Pro1331Ser (NM_001282394.3); short protein forms P1331S.
Identifiers: ClinVar variation 3470557 (VCV003470557.1).

ClinVar aggregate classification (germline): Uncertain significance (1 of 4 stars; one submission).

gnomAD v4.1: 37 of 1,613,294 alleles (0.0023%); highest among the groups gnomAD compares: African/African-American, 0.004%; no homozygotes.

Submission:

Ambry Genetics
Classification: Uncertain significance. Last evaluated: 2024-12-02. Review status: criteria provided, single submitter. Criteria: Ambry Variant Classification Scheme 2023. Collection method: clinical testing. Allele origin: germline.
Comment: The p.P1331S variant (also known as c.3991C>T), located in coding exon 18 of the WNK2 gene, results from a C to T substitution at nucleotide position 3991. The proline at codon 1331 is replaced by serine, an amino acid with similar properties. This amino acid position is conserved. In addition, this alteration is predicted to be tolerated by in silico analysis. Based on the available evidence, the clinical significance of this variant remains unclear.